The following is an entry in ClinVar:

NM_177438.3(DICER1):c.2195A>G (p.Glu732Gly)

Gene: DICER1 (dicer 1, ribonuclease III; minus strand). Cytogenetic location: 14q32.13.
Variant type: single nucleotide variant.
Coding change: c.2195A>G on transcript NM_177438.3 (MANE Select); coding-DNA position 2195, A replaced by G.
Protein change: p.Glu732Gly; replaces glutamic acid 732 with glycine.
Molecular consequence: missense variant.
Genome position (GRCh38, 1-based): chr14:95,111,378, T>C on the plus strand (A>G on the coding strand, the complement: DICER1 is on the minus strand). VCF-style: chr14-95111378-T-C. GRCh37 (hg19) VCF-style: chr14-95577715-T-C.
Other names: c.2195A>G, p.Glu732Gly (NM_001195573.1, NM_001271282.3, NM_001291628.2 and 1 more transcripts); short protein forms E732G.
Identifiers: ClinVar variation 543642 (VCV000543642.12), dbSNP rs1555371605, ClinGen allele CA390882645.

ClinVar aggregate classification (germline): Uncertain significance (1 of 4 stars; one submission).

Conditions:
DICER1-related tumor predisposition. Also called: DICER1-related pleuropulmonary blastoma cancer predisposition syndrome; DICER1 syndrome. Identifiers: Orphanet 284343, MedGen C3839822, MONDO:0100216.

Submission:

Labcorp Genetics (formerly Invitae), Labcorp
Classification: Uncertain significance for DICER1-related tumor predisposition. Last evaluated: 2019-06-01. Review status: criteria provided, single submitter. Criteria: Invitae Variant Classification Sherloc (09022015). Collection method: clinical testing. Allele origin: germline.
Comment: This variant has not been reported in the literature in individuals with DICER1-related disease. This variant is not present in population databases (ExAC no frequency). This sequence change replaces glutamic acid with glycine at codon 732 of the DICER1 protein (p.Glu732Gly). The glutamic acid residue is highly conserved and there is a moderate physicochemical difference between glutamic acid and glycine. Algorithms developed to predict the effect of missense changes on protein structure and function do not agree on the potential impact of this missense change (SIFT: "Deleterious"; PolyPhen-2: "Probably Damaging"; Align-GVGD: "Class C0"). In summary, the available evidence is currently insufficient to determine the role of this variant in disease. Therefore, it has been classified as a Variant of Uncertain Significance.